The following is an entry in ClinVar:

NM_014363.6(SACS):c.7165G>A (p.Val2389Met)

Gene: SACS (sacsin molecular chaperone; minus strand). Cytogenetic location: 13q12.12.
Variant type: single nucleotide variant.
Coding change: c.7165G>A on transcript NM_014363.6 (MANE Select); coding-DNA position 7165, G replaced by A.
Protein change: p.Val2389Met; replaces valine 2389 with methionine.
Molecular consequence: missense variant.
Genome position (GRCh38, 1-based): chr13:23,336,711, C>T on the plus strand (G>A on the coding strand, the complement: SACS is on the minus strand). VCF-style: chr13-23336711-C-T. GRCh37 (hg19) VCF-style: chr13-23910850-C-T.
Other names: p.Val2389Met; c.6724G>A, p.Val2242Met (NM_001278055.2); short protein forms V2389M, V2242M.
Identifiers: ClinVar variation 311527 (VCV000311527.28), dbSNP rs142869943, ClinGen allele CA6910961.

ClinVar aggregate classification (germline): Conflicting classifications of pathogenicity. Review status: criteria provided, conflicting classifications (1 of 4 stars). 8 submissions from 8 submitters: Uncertain significance (2); Benign (1); Likely benign (3). 2 of the submissions do not count toward it. Last evaluated 2026-01-26.

Conditions:
SACS-related disorder. Also called: SACS-related condition.
Spastic paraplegia. Identifiers: MedGen C0037772, HP:0001258.
Charlevoix-Saguenay spastic ataxia (SACS). Also called: SPASTIC ATAXIA 6, AUTOSOMAL RECESSIVE; AUTOSOMAL RECESSIVE SPASTIC ATAXIA OF CHARLEVOIX-SAGUENAY; Spastic ataxia of Charlevoix-Saguenay. Identifiers: Orphanet 98, MedGen C1849140, MONDO:0010041, OMIM 270550.

Allele frequency attached by ClinVar (database versions not stated): ESP Exome Variant Server 0.00015; 1000 Genomes Project 30x 0.00016; 1000 Genomes Project 0.00020; TOPMed 0.00022; gnomAD exomes 0.00041 and 0.00075; gnomAD 0.00054 and 0.00056; ExAC 0.00082.
gnomAD v4.1: 674 of 1,613,826 alleles (0.042%); highest among the groups gnomAD compares: Non-Finnish European, 0.033%; 1 homozygote.

Submissions (8):

Labcorp Genetics (formerly Invitae), Labcorp
Classification: Likely benign for Spastic paraplegia. Last evaluated: 2026-01-26. Review status: criteria provided, single submitter. Criteria: Invitae Variant Classification Sherloc (09022015). Collection method: clinical testing. Allele origin: germline.

Mayo Clinic Laboratories, Mayo Clinic
Classification: Likely benign. Last evaluated: 2025-05-19. Review status: criteria provided, single submitter. Criteria: ACMG Guidelines, 2015. Collection method: clinical testing. Allele origin: germline. Observed: 1 variant allele.
Comment: BS1, BP4

Athena Diagnostics
Classification: Benign. Last evaluated: 2025-01-23. Review status: criteria provided, single submitter. Criteria: Athena Diagnostics Criteria. Collection method: clinical testing. Allele origin: unknown.
Comment: The frequency of this variant in the general population is higher than would generally be expected for pathogenic variants in this gene.

Blueprint Genetics
Classification: Uncertain significance. Last evaluated: 2024-10-23. Review status: criteria provided, single submitter. Criteria: ACMG Guidelines, 2015. Collection method: clinical testing. Allele origin: germline.

Genome-Nilou Lab
Classification: Likely benign for Charlevoix-Saguenay spastic ataxia. Last evaluated: 2021-09-05. Review status: criteria provided, single submitter. Criteria: ACMG Guidelines, 2015. Collection method: clinical testing. Allele origin: germline. Affected: no.

Illumina Laboratory Services, Illumina
Classification: Uncertain significance for Charlevoix-Saguenay spastic ataxia. Last evaluated: 2018-01-12. Review status: criteria provided, single submitter. Criteria: ICSL Variant Classification Criteria 13 December 2019. Collection method: clinical testing. Allele origin: germline.

PreventionGenetics, part of Exact Sciences
Classification: Likely benign for SACS-related condition. Last evaluated: 2020-02-18. Review status: no assertion criteria provided. Collection method: clinical testing. Allele origin: germline. Not counted in ClinVar's aggregate classification.
Comment: This variant is classified as likely benign based on ACMG/AMP sequence variant interpretation guidelines (Richards et al. 2015 PMID: 25741868, with internal and published modifications).

Natera, Inc.
Classification: Likely benign for Charlevoix-Saguenay type spastic ataxia. Last evaluated: 2020-01-21. Review status: no assertion criteria provided. Collection method: clinical testing. Allele origin: germline. Not counted in ClinVar's aggregate classification.